The following is an entry in ClinVar:

ClinVar aggregate classification (germline): Uncertain significance (1 of 4 stars; one submission).

Conditions:
Mucopolysaccharidosis, MPS-II (MPS2). Also called: Mucopolysaccharidosis type 2; IDS deficiency; Sulfoiduronate sulfatase deficiency; SIDS deficiency; Attenuated MPS (subtype; formerly known as mild MPS II); Severe MPS II. Identifiers: Orphanet 580, Orphanet 79388, MedGen C0026705, MONDO:0010674, OMIM 309900.

Submission:

Labcorp Genetics (formerly Invitae), Labcorp
Classification: Uncertain significance for Mucopolysaccharidosis, MPS-II. Last evaluated: 2024-02-05. Review status: criteria provided, single submitter. Criteria: Invitae Variant Classification Sherloc (09022015). Collection method: clinical testing. Allele origin: germline.
Comment: This sequence change replaces proline, which is neutral and non-polar, with serine, which is neutral and polar, at codon 185 of the IDS protein (p.Pro185Ser). This variant is not present in population databases (gnomAD no frequency). This variant has not been reported in the literature in individuals affected with IDS-related conditions. ClinVar contains an entry for this variant (Variation ID: 1721576). Advanced modeling of protein sequence and biophysical properties (such as structural, functional, and spatial information, amino acid conservation, physicochemical variation, residue mobility, and thermodynamic stability) performed at Invitae indicates that this missense variant is expected to disrupt IDS protein function with a positive predictive value of 80%. In summary, the available evidence is currently insufficient to determine the role of this variant in disease. Therefore, it has been classified as a Variant of Uncertain Significance.

NM_000202.8(IDS):c.553C>T (p.Pro185Ser)

Genes: IDS (iduronate 2-sulfatase; minus strand), LOC106050102 (IDS recombination region; plus strand). Cytogenetic location: Xq28.
Variant type: single nucleotide variant.
Coding change: c.553C>T on transcript NM_000202.8 (MANE Select); coding-DNA position 553, C replaced by T.
Protein change: p.Pro185Ser; replaces proline 185 with serine.
Molecular consequence: missense variant. On other transcripts: non-coding transcript variant (1).
Genome position (GRCh38, 1-based): chrX:149,498,262, G>A on the plus strand (C>T on the coding strand, the complement: IDS is on the minus strand). VCF-style: chrX-149498262-G-A. GRCh37 (hg19) VCF-style: chrX-148579793-G-A.
Other names: c.283C>T, p.Pro95Ser (NM_001166550.4); c.553C>T, p.Pro185Ser (NM_006123.5); short protein forms P185S, P95S.
Identifiers: ClinVar variation 1721576 (VCV001721576.5), dbSNP rs1332401086, ClinGen allele CA414522502.